The following is an entry in ClinVar:

ClinVar aggregate classification (germline): Uncertain significance (1 of 4 stars; one submission).

Conditions:
Combined immunodeficiency due to ORAI1 deficiency. Also called: IMMUNODEFICIENCY 9. Identifiers: Orphanet 169090, Orphanet 317428, MedGen C2748568, MONDO:0013007, OMIM 612782.
Myopathy, tubular aggregate, 2 (TAM2). Identifiers: MedGen C4014557, MONDO:0014383, OMIM 615883.

Allele frequency attached by ClinVar (database versions not stated): ExAC 0.00004.

Submission:

Labcorp Genetics (formerly Invitae), Labcorp
Classification: Uncertain significance for Myopathy, tubular aggregate, 2; Combined immunodeficiency due to ORAI1 deficiency. Last evaluated: 2025-06-09. Review status: criteria provided, single submitter. Criteria: Invitae Variant Classification Sherloc (09022015). Collection method: clinical testing. Allele origin: germline.
Comment: This sequence change replaces valine, which is neutral and non-polar, with isoleucine, which is neutral and non-polar, at codon 181 of the ORAI1 protein (p.Val181Ile). This variant is present in population databases (rs782652213, gnomAD 0.03%). This variant has not been reported in the literature in individuals affected with ORAI1-related conditions. ClinVar contains an entry for this variant (Variation ID: 2166766). Experimental studies and prediction algorithms are not available or were not evaluated, and the functional significance of this variant is currently unknown. In summary, the available evidence is currently insufficient to determine the role of this variant in disease. Therefore, it has been classified as a Variant of Uncertain Significance.

NC_000012.12:g.121641278G>A

Gene: ORAI1 (ORAI calcium release-activated calcium modulator 1; plus strand). Cytogenetic location: 12q24.31.
Variant type: single nucleotide variant.
Genome position: GRCh38 VCF-style: chr12-121641278-G-A. GRCh37 (hg19) VCF-style: chr12-122079184-G-A.
Other names: c.541G>A, p.Val181Ile (NM_032790.4); short protein forms V181I.
Identifiers: ClinVar variation 2166766 (VCV002166766.4), dbSNP rs782652213, ClinGen allele CA6837510.